The following is an entry in ClinVar:

ClinVar aggregate classification (germline): Uncertain significance (1 of 4 stars; one submission).

Conditions:
Inborn genetic diseases. Identifiers: MedGen C0950123, MeSH D030342.

Submission:

Ambry Genetics
Classification: Uncertain significance for Inborn genetic diseases. Last evaluated: 2026-01-24. Review status: criteria provided, single submitter. Criteria: Ambry Variant Classification Scheme 2023. Collection method: clinical testing. Allele origin: germline.
Comment: The p.L126R variant (also known as c.377T>G), located in coding exon 4 of the FANCG gene, results from a T to G substitution at nucleotide position 377. The leucine at codon 126 is replaced by arginine, an amino acid with dissimilar properties. This amino acid position is conserved. In addition, this alteration is predicted to be deleterious by in silico analysis. Based on the available evidence, the clinical significance of this variant remains unclear.

NM_004629.2(FANCG):c.377T>G (p.Leu126Arg)

Gene: FANCG (FA complementation group G; minus strand). Cytogenetic location: 9p13.3.
Variant type: single nucleotide variant.
Coding change: c.377T>G on transcript NM_004629.2 (MANE Select); coding-DNA position 377, T replaced by G.
Protein change: p.Leu126Arg; replaces leucine 126 with arginine.
Molecular consequence: missense variant.
Genome position (GRCh38, 1-based): chr9:35,078,274, A>C on the plus strand (T>G on the coding strand, the complement: FANCG is on the minus strand). VCF-style: chr9-35078274-A-C. GRCh37 (hg19) VCF-style: chr9-35078271-A-C.
Other names: short protein forms L126R.
Identifiers: ClinVar variation 4844149 (VCV004844149.1).